The following is an entry in ClinVar:

ClinVar aggregate classification (germline): Uncertain significance (1 of 4 stars; one submission).

Allele frequency attached by ClinVar (database versions not stated): gnomAD exomes below 0.00001; TOPMed below 0.00001; ExAC 0.00001; gnomAD 0.00001.
gnomAD v4.1: 4 of 1,613,586 alleles (0.00025%); highest among the groups gnomAD compares: Admixed American, 0.0033%; no homozygotes.

Submission:

Labcorp Genetics (formerly Invitae), Labcorp
Classification: Uncertain significance. Last evaluated: 2022-09-01. Review status: criteria provided, single submitter. Criteria: Invitae Variant Classification Sherloc (09022015). Collection method: clinical testing. Allele origin: germline.
Comment: This variant has not been reported in the literature in individuals affected with EFEMP1-related conditions. This sequence change replaces threonine, which is neutral and polar, with isoleucine, which is neutral and non-polar, at codon 478 of the EFEMP1 protein (p.Thr478Ile). This variant is present in population databases (rs770166720, gnomAD 0.006%). Algorithms developed to predict the effect of missense changes on protein structure and function are either unavailable or do not agree on the potential impact of this missense change (SIFT: "Deleterious"; PolyPhen-2: "Benign"; Align-GVGD: "Class C0"). In summary, the available evidence is currently insufficient to determine the role of this variant in disease. Therefore, it has been classified as a Variant of Uncertain Significance.

NM_001039348.3(EFEMP1):c.1433C>T (p.Thr478Ile)

Gene: EFEMP1 (EGF-like fibulin extracellular matrix protein 1; minus strand). Cytogenetic location: 2p16.1.
Variant type: single nucleotide variant.
Coding change: c.1433C>T on transcript NM_001039348.3 (MANE Select); coding-DNA position 1433, C replaced by T.
Protein change: p.Thr478Ile; replaces threonine 478 with isoleucine.
Molecular consequence: missense variant.
Genome position (GRCh38, 1-based): chr2:55,867,122, G>A on the plus strand (C>T on the coding strand, the complement: EFEMP1 is on the minus strand). VCF-style: chr2-55867122-G-A. GRCh37 (hg19) VCF-style: chr2-56094257-G-A.
Other names: c.1433C>T, p.Thr478Ile (NM_001039349.3); short protein forms T478I.
Identifiers: ClinVar variation 1943983 (VCV001943983.5), dbSNP rs770166720, ClinGen allele CA1668680.
Genomic context (GRCh38, chr2:55,867,122, plus strand): 5'-CTTAGAAAAGACTAAAATGAAAATGGCCCCACTATTATTGTCAATCTTAACACAGAGCTT[G>A]TGCGGAAGGTCCCTATACTGCTGACTGTCAGCATCTCCAGGTCCACGATATGTTCTCTTG-3'
Protein context (NP_001034437.1, residues 468-488): LTVSSIGTFR[Thr478Ile]SSVLRLTIIV